The following is an entry in ClinVar:

ClinVar aggregate classification (germline): Uncertain significance. Review status: criteria provided, multiple submitters, no conflicts (2 of 4 stars). 3 submissions from 3 submitters: Uncertain significance (2). 1 of the submissions does not count toward it. Last evaluated 2023-12-05.

Conditions:
NEFH-related disorder. Also called: NEFH-related condition.
Inborn genetic diseases. Identifiers: MedGen C0950123, MeSH D030342.

Submissions (3):

Ambry Genetics
Classification: Uncertain significance for Inborn genetic diseases. Last evaluated: 2023-12-05. Review status: criteria provided, single submitter. Criteria: Ambry Variant Classification Scheme 2023. Collection method: clinical testing. Allele origin: germline.
Comment: The c.2157_2174del18 (p.E720_P725del) alteration, located in coding exon 4 of the NEFH gene, results from an in-frame deletion of 18 nucleotides at positions c.2157 to c.2174. This results in the deletion of 6 amino acids between codons 720 and 725. This variant was not reported in population-based cohorts in the Genome Aggregation Database (gnomAD). Based on insufficient or conflicting evidence, the clinical significance of this alteration remains unclear.

Labcorp Genetics (formerly Invitae), Labcorp
Classification: Uncertain significance. Last evaluated: 2023-07-08. Review status: criteria provided, single submitter. Criteria: Invitae Variant Classification Sherloc (09022015). Collection method: clinical testing. Allele origin: germline.
Comment: This variant, c.2157_2174del, results in the deletion of 6 amino acid(s) of the NEFH protein (p.Glu720_Pro725del), but otherwise preserves the integrity of the reading frame. In summary, the available evidence is currently insufficient to determine the role of this variant in disease. Therefore, it has been classified as a Variant of Uncertain Significance. Experimental studies and prediction algorithms are not available or were not evaluated, and the functional significance of this variant is currently unknown. ClinVar contains an entry for this variant (Variation ID: 1349889). This variant has not been reported in the literature in individuals affected with NEFH-related conditions. This variant is present in population databases (no rsID available, gnomAD 0.05%), and has an allele count higher than expected for a pathogenic variant.

PreventionGenetics, part of Exact Sciences
Classification: Uncertain significance for NEFH-related condition. Last evaluated: 2024-07-06. Review status: no assertion criteria provided. Collection method: clinical testing. Allele origin: germline. Not counted in ClinVar's aggregate classification.
Comment: The NEFH c.2157_2174del18 variant is predicted to result in an in-frame deletion (p.Glu720_Pro725del). To our knowledge, this variant has not been reported in the literature. This variant is reported in 0.046% of alleles in individuals of Latino descent in gnomAD. At this time, the clinical significance of this variant is uncertain due to the absence of conclusive functional and genetic evidence.

NM_021076.4(NEFH):c.2157_2174del (p.Glu720_Pro725del)

Gene: NEFH (neurofilament heavy chain; plus strand). Cytogenetic location: 22q12.2.
Variant type: Deletion.
Coding change: c.2157_2174del on transcript NM_021076.4 (MANE Select); coding-DNA positions 2157 to 2174, 18 bases deleted (TGAGAAGGCCAAGTCCCC).
Protein change: p.Glu720_Pro725del.
Molecular consequence: inframe deletion.
Genome position (GRCh38, 1-based): chr22:29,489,797-29,489,814, TGAGAAGGCCAAGTCCCC deleted; deleting any 18 consecutive bases within chr22:29,489,789-29,489,814 gives the same sequence; the c. name uses the placement nearest the transcript's 3' end. VCF-style (leftmost placement, unchanged base first): chr22-29489788-AAAGTCCCCTGAGAAGGCC-A. GRCh37 (hg19) VCF-style: chr22-29885777-AAAGTCCCCTGAGAAGGCC-A.
Other names: c.2157_2174del18 (NM_021076.3).
Identifiers: ClinVar variation 1349889 (VCV001349889.8), dbSNP rs867098893, ClinGen allele CA323088570.